The following is an entry in ClinVar:

NM_020297.4(ABCC9):c.2524C>T (p.Leu842=)

Gene: ABCC9 (ATP binding cassette subfamily C member 9; minus strand). Cytogenetic location: 12p12.1.
Variant type: single nucleotide variant.
Coding change: c.2524C>T on transcript NM_020297.4 (MANE Select); coding-DNA position 2524, C replaced by T.
Protein change: p.Leu842=; no amino-acid change (leucine 842 retained).
Molecular consequence: synonymous variant.
Genome position (GRCh38, 1-based): chr12:21,852,487, G>A on the plus strand (C>T on the coding strand, the complement: ABCC9 is on the minus strand). VCF-style: chr12-21852487-G-A. GRCh37 (hg19) VCF-style: chr12-22005421-G-A.
Other names: c.2524C>T, p.Leu842= (NM_001377273.1, NM_005691.4); c.1657C>T, p.Leu553= (NM_001377274.1).
Identifiers: ClinVar variation 514193 (VCV000514193.1), dbSNP rs1555189349, ClinGen allele CA478872262.

ClinVar aggregate classification (germline): Likely benign (1 of 4 stars; one submission).

Submission:

GeneDx
Classification: Likely benign. Last evaluated: 2017-12-19. Review status: criteria provided, single submitter. Criteria: GeneDx Variant Classification (06012015). Collection method: clinical testing. Allele origin: germline. Affected: yes.
Comment: This variant is considered likely benign or benign based on one or more of the following criteria: it is a conservative change, it occurs at a poorly conserved position in the protein, it is predicted to be benign by multiple in silico algorithms, and/or has population frequency not consistent with disease.